The following is an entry in ClinVar:

ClinVar aggregate classification (germline): Uncertain significance. Review status: criteria provided, multiple submitters, no conflicts (2 of 4 stars). 4 submissions from 4 submitters: Uncertain significance (4). Last evaluated 2024-10-15.

Conditions:
Inborn genetic diseases. Identifiers: MedGen C0950123, MeSH D030342.
Joubert syndrome 9 (JBTS9). Identifiers: Orphanet 2318, MedGen C2676788, MONDO:0012849, OMIM 612285.
Meckel syndrome, type 6. Identifiers: Orphanet 564, MedGen C2676790, MONDO:0012848, OMIM 612284.
Retinitis pigmentosa 93. Identifiers: MedGen C5676970, MONDO:0030797, OMIM 619845.
COACH syndrome 2. Identifiers: MedGen C5436837, MONDO:0030859, OMIM 619111.
Meckel-Gruber syndrome. Also called: Dysencephalia splachnocystica; DYSENCEPHALIA SPLANCHNOCYSTICA; GRUBER SYNDROME. Identifiers: Orphanet 564, MedGen C0265215, MONDO:0018921.
Joubert syndrome. Also called: JOUBERT-BOLTSHAUSER SYNDROME; Familial aplasia of the vermis. Identifiers: Orphanet 475, MedGen C5979921, MONDO:0018772.

Allele frequency attached by ClinVar (database versions not stated): gnomAD exomes below 0.00001; gnomAD 0.00001; TOPMed 0.00003.
gnomAD v4.1: 8 of 1,612,710 alleles (0.0005%); highest among the groups gnomAD compares: Admixed American, 0.0084%; no homozygotes.

Submissions (4):

Labcorp Genetics (formerly Invitae), Labcorp
Classification: Uncertain significance for Joubert syndrome; Meckel-Gruber syndrome. Last evaluated: 2024-10-15. Review status: criteria provided, single submitter. Criteria: Invitae Variant Classification Sherloc (09022015). Collection method: clinical testing. Allele origin: germline.
Comment: This sequence change replaces tyrosine, which is neutral and polar, with serine, which is neutral and polar, at codon 927 of the CC2D2A protein (p.Tyr927Ser). This variant is present in population databases (no rsID available, gnomAD 0.0009%). This variant has not been reported in the literature in individuals affected with CC2D2A-related conditions. ClinVar contains an entry for this variant (Variation ID: 497959). Invitae Evidence Modeling of protein sequence and biophysical properties (such as structural, functional, and spatial information, amino acid conservation, physicochemical variation, residue mobility, and thermodynamic stability) has been performed for this missense variant. However, the output from this modeling did not meet the statistical confidence thresholds required to predict the impact of this variant on CC2D2A protein function. In summary, the available evidence is currently insufficient to determine the role of this variant in disease. Therefore, it has been classified as a Variant of Uncertain Significance.

Ambry Genetics
Classification: Uncertain significance for Inborn genetic diseases. Last evaluated: 2024-07-02. Review status: criteria provided, single submitter. Criteria: Ambry Variant Classification Scheme 2023. Collection method: clinical testing. Allele origin: germline.

Fulgent Genetics
Classification: Uncertain significance for Meckel syndrome, type 6; Joubert syndrome 9; COACH syndrome 2; Retinitis pigmentosa 93. Last evaluated: 2024-06-03. Review status: criteria provided, single submitter. Criteria: ACMG Guidelines, 2015. Collection method: clinical testing. Allele origin: germline.

Eurofins Ntd Llc (ga)
Classification: Uncertain significance. Last evaluated: 2017-09-06. Review status: criteria provided, single submitter. Criteria: EGL Classification Definitions 2015. Collection method: clinical testing. Allele origin: germline. Observed: 2 variant alleles, 2 heterozygotes.

NM_001378615.1(CC2D2A):c.2780A>C (p.Tyr927Ser)

Genes: CC2D2A (coiled-coil and C2 domain containing 2A; plus strand), FBXL5 (F-box and leucine rich repeat protein 5; minus strand). Cytogenetic location: 4p15.32.
Variant type: single nucleotide variant.
Coding change: c.2780A>C on transcript NM_001378615.1 (MANE Select); coding-DNA position 2780, A replaced by C.
Protein change: p.Tyr927Ser; replaces tyrosine 927 with serine.
Molecular consequence: missense variant.
Genome position (GRCh38, 1-based): chr4:15,557,458, A>C. VCF-style: chr4-15557458-A-C. GRCh37 (hg19) VCF-style: chr4-15559081-A-C.
Other names: c.2780A>C, p.Tyr927Ser (NM_001080522.2); c.2633A>C, p.Tyr878Ser (NM_001378617.1); short protein forms Y927S, Y878S.
Identifiers: ClinVar variation 497959 (VCV000497959.16), dbSNP rs915290953, ClinGen allele CA92510717.